The following is an entry in ClinVar:

NM_000320.3(QDPR):c.106-1G>C

Gene: QDPR (quinoid dihydropteridine reductase; minus strand). Cytogenetic location: 4p15.32.
Variant type: single nucleotide variant.
Coding change: c.106-1G>C on transcript NM_000320.3 (MANE Select); the canonical splice acceptor site of the intron before coding-DNA position 106, G replaced by C.
Molecular consequence: splice acceptor variant. On other transcripts: intron variant (1).
Genome position (GRCh38, 1-based): chr4:17,509,364, C>G on the plus strand (G>C on the coding strand, the complement: QDPR is on the minus strand). VCF-style: chr4-17509364-C-G. GRCh37 (hg19) VCF-style: chr4-17510987-C-G.
Other names: c.105+2586G>C (NM_001306140.2).
Identifiers: ClinVar variation 1066958 (VCV001066958.7), dbSNP rs1428018512, ClinGen allele CA356453678.
Genomic context (GRCh38, chr4:17,509,364, plus strand): 5'-TTTAACAATGATGCTAGCGCTGGCCTCTTCATTCTCCACCACATCAACGCTGGCAACCCA[C>G]TGGAAGGAGAAAACAGCTTTGGTTAAGAGGCAGTGAGTTGTTATTCCATGAAAGAGTCAC-3'

ClinVar aggregate classification (germline): Likely pathogenic (1 of 4 stars; one submission).

Conditions:
Dihydropteridine reductase deficiency (HPABH4C). Also called: DHPR DEFICIENCY; BH4-Deficient Hyperphenylalaninemia C; HYPERPHENYLALANINEMIA, TETRAHYDROBIOPTERIN-DEFICIENT, DUE TO DHPR DEFICIENCY; QDPR DEFICIENCY; QUINOID DIHYDROPTERIDINE REDUCTASE DEFICIENCY; Phenylketonuria II. Identifiers: Orphanet 226, Orphanet 238583, MedGen C0268465, MONDO:0009862, OMIM 261630.

Allele frequency attached by ClinVar (database versions not stated): gnomAD exomes below 0.00001.

Submission:

Labcorp Genetics (formerly Invitae), Labcorp
Classification: Likely pathogenic for Dihydropteridine reductase deficiency. Last evaluated: 2022-07-19. Review status: criteria provided, single submitter. Criteria: Invitae Variant Classification Sherloc (09022015). Collection method: clinical testing. Allele origin: germline.
Comment: This variant is present in population databases (no rsID available, gnomAD 0.0009%). This sequence change affects an acceptor splice site in intron 1 of the QDPR gene. It is expected to disrupt RNA splicing. Variants that disrupt the donor or acceptor splice site typically lead to a loss of protein function (PMID: 16199547), and loss-of-function variants in QDPR are known to be pathogenic (PMID: 7627180, 11153907). This variant has not been reported in the literature in individuals affected with QDPR-related conditions. In summary, the currently available evidence indicates that the variant is pathogenic, but additional data are needed to prove that conclusively. Therefore, this variant has been classified as Likely Pathogenic. Algorithms developed to predict the effect of sequence changes on RNA splicing suggest that this variant may disrupt the consensus splice site. ClinVar contains an entry for this variant (Variation ID: 1066958).

Literature cited by the submitters: PubMed 16199547; PubMed 7627180; PubMed 11153907.